The following is an entry in ClinVar:

NM_022132.5(MCCC2):c.1623G>T (p.Leu541Phe)

Gene: MCCC2 (methylcrotonyl-CoA carboxylase subunit 2; plus strand). Cytogenetic location: 5q13.2.
Variant type: single nucleotide variant.
Coding change: c.1623G>T on transcript NM_022132.5 (MANE Select); coding-DNA position 1623, G replaced by T.
Protein change: p.Leu541Phe; replaces leucine 541 with phenylalanine.
Molecular consequence: missense variant.
Genome position (GRCh38, 1-based): chr5:71,656,791, G>T. VCF-style: chr5-71656791-G-T. GRCh37 (hg19) VCF-style: chr5-70952618-G-T.
Other names: c.1509G>T, p.Leu503Phe (NM_001363147.1); c.1623G>T (NM_022132.4); short protein forms L503F, L541F.
Identifiers: ClinVar variation 1386999 (VCV001386999.9), dbSNP rs753443203, ClinGen allele CA3298218.
Genomic context (GRCh38, chr5:71,656,791, plus strand): 5'-TTCTTTTGTCAGGGTATGGGATGATGGGATCATTGATCCAGCAGACACCAGACTGGTCTT[G>T]GGTCTCAGTTTTAGTGCAGCCCTCAACGCACCAATAGAGAAGACTGACTTCGGTATCTTC-3'
Protein context (NP_071415.1, residues 531-551): IIDPADTRLV[Leu541Phe]GLSFSAALNA

ClinVar aggregate classification (germline): Conflicting classifications of pathogenicity. Review status: criteria provided, conflicting classifications (1 of 4 stars). 2 submissions from 2 submitters: Pathogenic (1); Uncertain significance (1). Last evaluated 2026-01-19.

Conditions:
3-methylcrotonyl-CoA carboxylase 2 deficiency. Also called: METHYLCROTONYLGLYCINURIA, TYPE II; 3 alpha methylcrotonyl-CoA carboxylase 2 deficiency; 3 alpha methylcrotonylglycinuria 2; MCC 2 deficiency; Methylcrotonylglycinuria type 2. Identifiers: Orphanet 6, MedGen C1859499, MONDO:0008862, OMIM 210210.

Allele frequency attached by ClinVar (database versions not stated): gnomAD exomes below 0.00001 and 0.00001; TOPMed below 0.00001; ExAC 0.00001.
gnomAD v4.1: 1 of 1,614,142 alleles (0.000062%); highest among the groups gnomAD compares: Admixed American, 0.0017%; no homozygotes.

Submissions (2):

Labcorp Genetics (formerly Invitae), Labcorp
Classification: Pathogenic for 3-methylcrotonyl-CoA carboxylase 2 deficiency. Last evaluated: 2026-01-19. Review status: criteria provided, single submitter. Criteria: Invitae Variant Classification Sherloc (09022015). Collection method: clinical testing. Allele origin: germline.
Comment: This sequence change replaces leucine, which is neutral and non-polar, with phenylalanine, which is neutral and non-polar, at codon 541 of the MCCC2 protein (p.Leu541Phe). This variant is present in population databases (rs753443203, gnomAD 0.006%). This missense change has been observed in individual(s) with 3-methylcrotonyl-CoA carboxylase deficiency (PMID: 32778825; internal data). In at least one individual the data is consistent with being in trans (on the opposite chromosome) from a pathogenic variant. ClinVar contains an entry for this variant (Variation ID: 1386999). Invitae Evidence Modeling of protein sequence and biophysical properties (such as structural, functional, and spatial information, amino acid conservation, physicochemical variation, residue mobility, and thermodynamic stability) indicates that this missense variant is expected to disrupt MCCC2 protein function with a positive predictive value of 80%. For these reasons, this variant has been classified as Pathogenic.

GeneDx
Classification: Uncertain significance. Last evaluated: 2025-06-27. Review status: criteria provided, single submitter. Criteria: GeneDx Variant Classification Process June 2021. Collection method: clinical testing. Allele origin: germline. Affected: yes.
Comment: Reported in the published literature as a positive result by exome sequencing in newborn screening for inborn errors of metabolism, but no additional clinical information nor information about a second variant was provided (PMID: 32778825); Not observed at significant frequency in large population cohorts (gnomAD); In silico analysis supports that this missense variant has a deleterious effect on protein structure/function; This variant is associated with the following publications: (PMID: 32778825)

Literature cited by the submitters: PubMed 32778825 (cited by Labcorp Genetics (formerly Invitae), Labcorp).